The following is an entry in ClinVar:

ClinVar aggregate classification (germline): Pathogenic (1 of 4 stars; one submission).

Conditions:
Primary ciliary dyskinesia. Also called: Ciliary dyskinesia. Identifiers: Orphanet 244, MedGen C0008780, MONDO:0016575, HP:0012265.

Submission:

Labcorp Genetics (formerly Invitae), Labcorp
Classification: Pathogenic for Primary ciliary dyskinesia. Last evaluated: 2022-05-17. Review status: criteria provided, single submitter. Criteria: Invitae Variant Classification Sherloc (09022015). Collection method: clinical testing. Allele origin: germline.
Comment: This variant is not present in population databases (gnomAD no frequency). This sequence change creates a premature translational stop signal (p.Gly917Glufs*172) in the RPGR (ORF15) gene. While this is not anticipated to result in nonsense mediated decay, it is expected to disrupt the last 236 amino acid(s) of the RPGR (ORF15) protein. This variant has not been reported in the literature in individuals affected with RPGR (ORF15)-related conditions. For these reasons, this variant has been classified as Pathogenic. This variant disrupts a region of the RPGR (ORF15) protein in which other variant(s) (p.Leu1130Lysfs*13) have been determined to be pathogenic (PMID: 22264887; Invitae). This suggests that this is a clinically significant region of the protein, and that variants that disrupt it are likely to be disease-causing.

Literature cited by the submitters: PubMed 22264887.

NM_001034853.2(RPGR):c.2750del (p.Gly917fs)

Gene: RPGR (retinitis pigmentosa GTPase regulator; minus strand). Cytogenetic location: Xp11.4.
Variant type: Deletion.
Coding change: c.2750del on transcript NM_001034853.2 (MANE Select); coding-DNA position 2750, one base deleted (G; older notation c.2750delG).
Protein change: p.Gly917fs; shifts the reading frame from glycine 917.
Molecular consequence: frameshift variant. On other transcripts: intron variant (8).
Genome position (GRCh38, 1-based): chrX:38,286,249, C deleted on the plus strand (G on the coding strand, the reverse complement: RPGR is on the minus strand); the first of 2 consecutive C bases (chrX:38,286,249-38,286,250); deleting either gives the same sequence. VCF-style (leftmost placement, unchanged base first): chrX-38286248-TC-T. GRCh37 (hg19) VCF-style: chrX-38145501-TC-T.
Other names: c.1569+4710del (NM_001367249.1, NM_001367250.1); c.1902+845del (NM_001367245.1); c.1386+4710del (NM_001367251.1); c.1719+845del (NM_001367246.1); c.1572+4710del (NM_001367247.1); c.1905+845del (NM_000328.3); c.1602+4710del (NM_001367248.1); short protein forms G917fs.
Identifiers: ClinVar variation 1995774 (VCV001995774.4), dbSNP rs2519787400, ClinGen allele CA2580100885.
Genomic context (GRCh38, chrX:38,286,248, plus strand): 5'-TCCTTCCTCCTCTTCCCCCTCCCCTTCTCCTTCCTCTCCTTCCTCCTCCCCTTTCCCTTC[TC>T]CTTCCTCCTCTTCTCCCTCCCCTTCTCCTTCCTCTTCTCCCTCCCCTTCTCCTTCCTCCT-3'